The following is an entry in ClinVar:

ClinVar aggregate classification (germline): Uncertain significance (1 of 4 stars; one submission).

Conditions:
Primary familial hypertrophic cardiomyopathy (HCM). Identifiers: Orphanet 99739, MedGen C0949658, MeSH D024741, MONDO:0024573. Inheritance: Various modes of inheritance.
Hypertrophic cardiomyopathy 25 (CMH25). Also called: CARDIOMYOPATHY, FAMILIAL HYPERTROPHIC, 25. Identifiers: MedGen C4225408, MONDO:0011843, OMIM 607487.

Submission:

Labcorp Genetics (formerly Invitae), Labcorp
Classification: Uncertain significance for Hypertrophic cardiomyopathy 25; Primary familial hypertrophic cardiomyopathy. Last evaluated: 2025-12-23. Review status: criteria provided, single submitter. Criteria: Invitae Variant Classification Sherloc (09022015). Collection method: clinical testing. Allele origin: germline.
Comment: This sequence change replaces threonine, which is neutral and polar, with alanine, which is neutral and non-polar, at codon 3 of the TCAP protein (p.Thr3Ala). This variant is not present in population databases (gnomAD no frequency). This variant has not been reported in the literature in individuals affected with TCAP-related conditions. An algorithm developed to predict the effect of missense changes on protein structure and function outputs the following: PolyPhen-2: "Benign". The alanine amino acid residue is found in multiple mammalian species, which suggests that this missense change does not adversely affect protein function. In summary, the available evidence is currently insufficient to determine the role of this variant in disease. Therefore, it has been classified as a Variant of Uncertain Significance.

NM_003673.4(TCAP):c.7A>G (p.Thr3Ala)

Gene: TCAP (titin-cap; plus strand). Cytogenetic location: 17q12.
Variant type: single nucleotide variant.
Coding change: c.7A>G on transcript NM_003673.4 (MANE Select); coding-DNA position 7, A replaced by G.
Protein change: p.Thr3Ala; replaces threonine 3 with alanine.
Molecular consequence: missense variant.
Genome position (GRCh38, 1-based): chr17:39,665,366, A>G. VCF-style: chr17-39665366-A-G. GRCh37 (hg19) VCF-style: chr17-37821619-A-G.
Other names: short protein forms T3A.
Identifiers: ClinVar variation 4782363 (VCV004782363.1).